The following is an entry in ClinVar:

NM_012310.5(KIF4A):c.3256-6T>C

Gene: KIF4A (kinesin family member 4A; plus strand). Cytogenetic location: Xq13.1.
Variant type: single nucleotide variant.
Coding change: c.3256-6T>C on transcript NM_012310.5 (MANE Select); 6 bases into the intron before coding-DNA position 3256, T replaced by C.
Molecular consequence: intron variant.
Genome position (GRCh38, 1-based): chrX:70,417,882, T>C. VCF-style: chrX-70417882-T-C. GRCh37 (hg19) VCF-style: chrX-69637732-T-C.
Identifiers: ClinVar variation 748900 (VCV000748900.29), dbSNP rs150518238, ClinGen allele CA10441469.

ClinVar aggregate classification (germline): Likely benign. Review status: criteria provided, multiple submitters, no conflicts (2 of 4 stars). 5 submissions from 5 submitters: Likely benign (2). 3 of the submissions do not count toward it. Last evaluated 2022-09-01.

Conditions:
KIF4A-related disorder. Also called: KIF4A-related condition.

Allele frequency attached by ClinVar (database versions not stated): ExAC 0.00015; gnomAD exomes 0.00018 and 0.00013; gnomAD 0.00030 and 0.00035; 1000 Genomes Project 30x 0.00042; 1000 Genomes Project 0.00053; TOPMed 0.00054.
gnomAD v4.1: 197 of 1,197,736 alleles (0.016%); highest among the groups gnomAD compares: Middle Eastern, 0.14%; 2 homozygotes.

Submissions (5):

CeGaT Center for Human Genetics Tuebingen
Classification: Likely benign. Last evaluated: 2022-09-01. Review status: criteria provided, single submitter. Criteria: CeGaT Center For Human Genetics Tuebingen Variant Classification Criteria Version 2. Collection method: clinical testing. Allele origin: germline. Affected: yes. Observed: 2 variant alleles.
Comment: KIF4A: BP4

Labcorp Genetics (formerly Invitae), Labcorp
Classification: Likely benign. Last evaluated: 2018-07-04. Review status: criteria provided, single submitter. Criteria: Invitae Variant Classification Sherloc (09022015). Collection method: clinical testing. Allele origin: germline.

PreventionGenetics, part of Exact Sciences
Classification: Likely benign for KIF4A-related condition. Last evaluated: 2024-05-09. Review status: no assertion criteria provided. Collection method: clinical testing. Allele origin: germline. Not counted in ClinVar's aggregate classification.
Comment: This variant is classified as likely benign based on ACMG/AMP sequence variant interpretation guidelines (Richards et al. 2015 PMID: 25741868, with internal and published modifications).

Clinical Genetics DNA and cytogenetics Diagnostics Lab, Erasmus MC, Erasmus Medical Center
Classification: Likely benign. Review status: no assertion criteria provided. Collection method: clinical testing. Allele origin: germline. Affected: yes. Study: VKGL Data-share Consensus. Not counted in ClinVar's aggregate classification.

Laboratory of Diagnostic Genome Analysis, Leiden University Medical Center (LUMC)
Classification: Likely benign. Review status: no assertion criteria provided. Collection method: clinical testing. Allele origin: germline. Affected: yes. Study: VKGL Data-share Consensus. Not counted in ClinVar's aggregate classification.